The following is an entry in ClinVar:

NM_138694.4(PKHD1):c.9104_9108dup (p.Leu3037fs)

Gene: PKHD1 (PKHD1 ciliary IPT domain containing fibrocystin/polyductin; minus strand). Cytogenetic location: 6p12.3.
Variant type: Duplication.
Coding change: c.9104_9108dup on transcript NM_138694.4 (MANE Select); coding-DNA positions 9104 to 9108, 5 bases duplicated (GAGTA; older notation c.9104_9108dupGAGTA).
Protein change: p.Leu3037fs; shifts the reading frame from leucine 3037.
Molecular consequence: frameshift variant.
Genome position (GRCh38, 1-based): chr6:51,748,508-51,748,512, TACTC duplicated on the plus strand (GAGTA on the coding strand, the reverse complement: PKHD1 is on the minus strand). VCF-style (leftmost placement, unchanged base first): chr6-51748507-G-GTACTC. GRCh37 (hg19) VCF-style: chr6-51613305-G-GTACTC.
Other names: c.9104_9108dup, p.Leu3037fs (NM_170724.3); short protein forms L3037fs.
Identifiers: ClinVar variation 4816793 (VCV004816793.1).
Genomic context (GRCh38, chr6:51,748,507, plus strand): 5'-CCTGACCCTCTAAATCTATGCCATGGCCAGCTGTGCCAAACACAATATTGTCATTTAAAA[G>GTACTC]TACTCCATGACTGGCAGCTGCATGAATGCCCCCGCCACAGCTCTGGTGCAGAGTAGATGA-3'

ClinVar aggregate classification (germline): Likely pathogenic (1 of 4 stars; one submission).

Conditions:
Autosomal recessive polycystic kidney disease (ARPKD). Also called: AR polycystic kidney disease. Identifiers: Orphanet 731, Orphanet 8378, MedGen C0085548, MeSH D017044, MONDO:0009889.

Submission:

Natera, Inc.
Classification: Likely pathogenic for Autosomal recessive polycystic kidney disease. Last evaluated: 2025-08-25. Review status: criteria provided, single submitter. Criteria: Natera Variant Classification Schema (03/2026). Collection method: clinical testing. Allele origin: germline.
Comment: The c.9104_9108dup variant in PKHD1 is a frameshift variant predicted to shift the reading frame beginning at codon 3037 and leads to a stop codon 4 codons downstream. This variant is expected to result in nonsense mediated decay, truncation, or a dysfunctional protein product. This variant is rare in the general population with a frequency below the threshold expected for the associated phenotype(s). Given the available evidence, this variant is classified as Likely Pathogenic.